The following is an entry in ClinVar:

NM_198859.4(PRICKLE2):c.1502C>T (p.Pro501Leu)

Gene: PRICKLE2 (prickle planar cell polarity protein 2; minus strand). Cytogenetic location: 3p14.1.
Variant type: single nucleotide variant.
Coding change: c.1502C>T on transcript NM_198859.4 (MANE Select); coding-DNA position 1502, C replaced by T.
Protein change: p.Pro501Leu; replaces proline 501 with leucine.
Molecular consequence: missense variant.
Genome position (GRCh38, 1-based): chr3:64,146,988, G>A on the plus strand (C>T on the coding strand, the complement: PRICKLE2 is on the minus strand). VCF-style: chr3-64146988-G-A. GRCh37 (hg19) VCF-style: chr3-64132664-G-A.
Other names: c.1502C>T, p.Pro501Leu (NM_001370528.1); short protein forms P501L.
Identifiers: ClinVar variation 2572321 (VCV002572321.2), dbSNP rs1041530265, ClinGen allele CA75727196.

ClinVar aggregate classification (germline): Uncertain significance. Review status: criteria provided, multiple submitters, no conflicts (2 of 4 stars). 2 submissions from 2 submitters: Uncertain significance (2). Last evaluated 2025-05-11.

Conditions:
Progressive myoclonic epilepsy type 5. Identifiers: Orphanet 402082, MedGen C5190799.

Allele frequency attached by ClinVar (database versions not stated): TOPMed below 0.00001.
gnomAD v4.1: 4 of 1,613,960 alleles (0.00025%); highest among the groups gnomAD compares: Non-Finnish European, 0.00034%; no homozygotes.

Submissions (2):

Labcorp Genetics (formerly Invitae), Labcorp
Classification: Uncertain significance for Progressive myoclonic epilepsy type 5. Last evaluated: 2025-05-11. Review status: criteria provided, single submitter. Criteria: Invitae Variant Classification Sherloc (09022015). Collection method: clinical testing. Allele origin: germline.
Comment: This sequence change replaces proline, which is neutral and non-polar, with leucine, which is neutral and non-polar, at codon 501 of the PRICKLE2 protein (p.Pro501Leu). This variant is present in population databases (no rsID available, gnomAD 0.0009%). This variant has not been reported in the literature in individuals affected with PRICKLE2-related conditions. ClinVar contains an entry for this variant (Variation ID: 2572321). Invitae Evidence Modeling of protein sequence and biophysical properties (such as structural, functional, and spatial information, amino acid conservation, physicochemical variation, residue mobility, and thermodynamic stability) indicates that this missense variant is not expected to disrupt PRICKLE2 protein function with a negative predictive value of 80%. In summary, the available evidence is currently insufficient to determine the role of this variant in disease. Therefore, it has been classified as a Variant of Uncertain Significance.

Greenwood Genetic Center Diagnostic Laboratories, Greenwood Genetic Center
Classification: Uncertain significance. Last evaluated: 2023-04-12. Review status: criteria provided, single submitter. Criteria: ACMG Guidelines, 2015. Collection method: clinical testing. Allele origin: germline. Affected: yes.
Comment: PM2, PP3